The following is an entry in ClinVar:

ClinVar aggregate classification (germline): Pathogenic (1 of 4 stars; one submission).

Submission:

GeneDx
Classification: Pathogenic. Last evaluated: 2026-09-22. Review status: criteria provided, single submitter. Criteria: GeneDx Variant Classification Process June 2021. Collection method: clinical testing. Allele origin: germline.
Comment: Nonsense variant predicted to result in protein truncation or nonsense mediated decay in a gene for which loss of function is a known mechanism of disease; Not observed at significant frequency in large population cohorts (gnomAD); Has not been previously published as pathogenic or benign to our knowledge

NM_024989.4(PGAP1):c.1604C>A (p.Ser535Ter)

Gene: PGAP1 (post-GPI attachment to proteins inositol deacylase 1; minus strand). Cytogenetic location: 2q33.1.
Variant type: single nucleotide variant.
Coding change: c.1604C>A on transcript NM_024989.4 (MANE Select); coding-DNA position 1604, C replaced by A.
Protein change: p.Ser535Ter; replaces serine 535 with a stop codon.
Molecular consequence: nonsense.
Genome position (GRCh38, 1-based): chr2:196,872,975, G>T on the plus strand (C>A on the coding strand, the complement: PGAP1 is on the minus strand). VCF-style: chr2-196872975-G-T. GRCh37 (hg19) VCF-style: chr2-197737699-G-T.
Other names: c.1082C>A, p.Ser361Ter (NM_001321099.2); c.437C>A, p.Ser146Ter (NM_001321100.2); short protein forms S146*, S361*, S535*.
Identifiers: ClinVar variation 3766104 (VCV003766104.2).